The following is an entry in ClinVar:

ClinVar aggregate classification (germline): Conflicting classifications of pathogenicity. Review status: criteria provided, conflicting classifications (1 of 4 stars). 4 submissions from 4 submitters: Pathogenic (1); Likely pathogenic (1); Uncertain significance (1). 1 of the submissions does not count toward it. Last evaluated 2022-07-21.

Conditions:
Deficiency of butyryl-CoA dehydrogenase (ACADSD). Also called: SCAD Deficiency; SCADH DEFICIENCY; Short-Chain Acyl-CoA Dehydrogenase Deficiency; SCAD DEFICIENCY, MILD; ACYL-CoA DEHYDROGENASE, SHORT-CHAIN, DEFICIENCY OF; ACADS DEFICIENCY. Identifiers: Orphanet 26792, MedGen C0342783, MONDO:0008722, OMIM 201470. Disease mechanism: May be benign.

Allele frequency attached by ClinVar (database versions not stated): gnomAD 0.00001 and 0.00002; TOPMed 0.00002; ExAC 0.00003; gnomAD exomes 0.00003.
gnomAD v4.1: 50 of 1,611,154 alleles (0.0031%); highest among the groups gnomAD compares: Non-Finnish European, 0.004%; no homozygotes.

Submissions (4):

Labcorp Genetics (formerly Invitae), Labcorp
Classification: Uncertain significance for Deficiency of butyryl-CoA dehydrogenase. Last evaluated: 2022-07-21. Review status: criteria provided, single submitter. Criteria: Invitae Variant Classification Sherloc (09022015). Collection method: clinical testing. Allele origin: germline.
Comment: This sequence change replaces glycine, which is neutral and non-polar, with serine, which is neutral and polar, at codon 274 of the ACADS protein (p.Gly274Ser). This variant is present in population databases (rs746368198, gnomAD 0.005%). This missense change has been observed in individual(s) with short-chain acyl-CoA dehydrogenase (SCAD) deficiency (PMID: 18523805). ClinVar contains an entry for this variant (Variation ID: 280061). Advanced modeling of protein sequence and biophysical properties (such as structural, functional, and spatial information, amino acid conservation, physicochemical variation, residue mobility, and thermodynamic stability) performed at Invitae indicates that this missense variant is expected to disrupt ACADS protein function. Experimental studies have shown that this missense change affects ACADS function (PMID: 18523805). Algorithms developed to predict the effect of sequence changes on RNA splicing suggest that this variant may disrupt the consensus splice site. In summary, the available evidence is currently insufficient to determine the role of this variant in disease. Therefore, it has been classified as a Variant of Uncertain Significance.

Genome-Nilou Lab
Classification: Likely pathogenic for Deficiency of butyryl-CoA dehydrogenase. Last evaluated: 2021-11-07. Review status: criteria provided, single submitter. Criteria: ACMG Guidelines, 2015. Collection method: clinical testing. Allele origin: germline. Affected: no.

GeneDx
Classification: Pathogenic. Last evaluated: 2016-09-30. Review status: criteria provided, single submitter. Criteria: GeneDx Variant Classification (06012015). Collection method: clinical testing. Allele origin: germline. Affected: yes.
Comment: The G274S variant has also previously been reported in association with SCAD deficiency (Pedersen et al., 2008). Functional analysis of G274S found that it is associated with reduced tetramer formation, increased aggregation tendency, and increased chaperone retention compared to wildtype similar to other pathogenic variants in the ACADS gene (Pedersen et al., 2008). Therefore, we interpret G274S to be a pathogenic variant.

Counsyl
Classification: Uncertain significance for Deficiency of butyryl-CoA dehydrogenase. Last evaluated: 2017-09-26. Review status: no assertion criteria provided. Collection method: clinical testing. Allele origin: unknown. Not counted in ClinVar's aggregate classification.

Literature cited by the submitters: PubMed 18523805 (cited by Labcorp Genetics (formerly Invitae), Labcorp and Counsyl).

NM_000017.4(ACADS):c.820G>A (p.Gly274Ser)

Gene: ACADS (acyl-CoA dehydrogenase short chain; plus strand). Cytogenetic location: 12q24.31.
Variant type: single nucleotide variant.
Coding change: c.820G>A on transcript NM_000017.4 (MANE Select); coding-DNA position 820, G replaced by A.
Protein change: p.Gly274Ser; replaces glycine 274 with serine.
Molecular consequence: missense variant.
Genome position (GRCh38, 1-based): chr12:120,738,557, G>A. VCF-style: chr12-120738557-G-A. GRCh37 (hg19) VCF-style: chr12-121176360-G-A.
Other names: c.808G>A, p.Gly270Ser (NM_001302554.2); short protein forms G274S, G270S.
Identifiers: ClinVar variation 280061 (VCV000280061.11), dbSNP rs746368198, ClinGen allele CA6831085.